The following is an entry in ClinVar:

NM_019066.5(MAGEL2):c.1326_1367del (p.442PVIRQAP[1])

Gene: MAGEL2 (MAGE family member L2; minus strand). Cytogenetic location: 15q11.2.
Variant type: Deletion.
Coding change: c.1326_1367del on transcript NM_019066.5 (MANE Select); coding-DNA positions 1326 to 1367, 42 bases deleted.
Protein change: p.442PVIRQAP[1].
Molecular consequence: inframe deletion.
Genome position (GRCh38, 1-based): chr15:23,646,376-23,646,417, 42 bases deleted; deleting any 42 consecutive bases within chr15:23,646,376-23,646,436 gives the same sequence; the c. name uses the placement nearest the transcript's 3' end. GRCh37 (hg19): chr15:23,891,542-23,891,583.
Identifiers: ClinVar variation 2075149 (VCV002075149.28), dbSNP rs1309651292, ClinGen allele CA617084268.

ClinVar aggregate classification (germline): Likely benign. Review status: criteria provided, multiple submitters, no conflicts (2 of 4 stars). 2 submissions from 2 submitters: Likely benign (2). Last evaluated 2026-05-01.

Submissions (2):

CeGaT Center for Human Genetics Tuebingen
Classification: Likely benign. Last evaluated: 2026-05-01. Review status: criteria provided, single submitter. Criteria: CeGaT Center For Human Genetics Tuebingen Variant Classification Criteria Version 2. Collection method: clinical testing. Allele origin: germline. Affected: yes. Observed: 2 variant alleles.
Comment: MAGEL2: BS1

Labcorp Genetics (formerly Invitae), Labcorp
Classification: Likely benign. Last evaluated: 2025-08-05. Review status: criteria provided, single submitter. Criteria: Invitae Variant Classification Sherloc (09022015). Collection method: clinical testing. Allele origin: germline.